The following is an entry in ClinVar:

ClinVar aggregate classification (germline): Conflicting classifications of pathogenicity. Review status: criteria provided, conflicting classifications (1 of 4 stars). 3 submissions from 3 submitters: Likely pathogenic (2); Uncertain significance (1). Last evaluated 2025-09-03.

Conditions:
Fanconi anemia complementation group P. Also called: SLX4-Related Fanconi Anemia. Identifiers: Orphanet 84, MedGen C3469542, MONDO:0013499, OMIM 613951.
SLX4-related disorder. Also called: SLX4-related condition.

Submissions (3):

Clinical and Functional Genomics Group, A.C.Camargo Cancer Center
Classification: Uncertain significance for Fanconi anemia complementation group P. Last evaluated: 2025-09-03. Review status: criteria provided, single submitter. Criteria: CFGG ACC Assertion Criteria V1. Collection method: research. Allele origin: germline. Affected: no.
Comment: The c.4828delT (p.Ser1610Profs*105) variant in the SLX4 gene disrupts the reading frame and introduces a premature stop codon 105 amino acids downstream, in a region not predicted to undergo nonsense-mediated mRNA decay (NMD) (coding exon number 13 out of 14). Loss-of-function is an established mechanism of pathogenicity for the SLX4 gene (PMID: 21240277). To our knowledge, no functional studies have been performed to assess the impact of this variant on protein function. Other pathogenic variants located downstream have also been reported in ClinVar. Based on the limited evidence, this variant has been classified as a Variant of Uncertain Significance (PVS1_Strong, PM2_Supporting).

Dasa
Classification: Likely pathogenic. Last evaluated: 2024-09-25. Review status: criteria provided, single submitter. Criteria: DASA Assertion Criteria. Collection method: clinical testing. Allele origin: germline.
Comment: NM_032444.4(SLX4):c.4828del (p.Ser1610Profs*105) is a frameshift variant in SLX4 predicted to alter the reading frame and introduce a premature termination codon and is predicted to result in an absent or altered protein product. Loss of function is an established disease mechanism for SLX4-associated disorders. Also, this variant is rare in population databases. Based on the currently available evidence, this variant is classified as likely pathogenic.

Blueprint Genetics
Classification: Likely pathogenic for SLX4-related disorders. Last evaluated: 2024-08-26. Review status: criteria provided, single submitter. Criteria: ACMG Guidelines, 2015. Collection method: clinical testing. Allele origin: germline. Affected: yes. Observed: 1 variant allele.

Literature cited by the submitters: PubMed 37536918 (cited by Clinical and Functional Genomics Group, A.C.Camargo Cancer Center).

NM_032444.4(SLX4):c.4828del (p.Ser1610fs)

Gene: SLX4 (SLX4 structure-specific endonuclease subunit; minus strand). Cytogenetic location: 16p13.3.
Variant type: Deletion.
Coding change: c.4828del on transcript NM_032444.4 (MANE Select); coding-DNA position 4828, one base deleted (T; older notation c.4828delT).
Protein change: p.Ser1610fs; shifts the reading frame from serine 1610.
Molecular consequence: frameshift variant.
Genome position (GRCh38, 1-based): chr16:3,583,422, A deleted on the plus strand (T on the coding strand, the reverse complement: SLX4 is on the minus strand). VCF-style (leftmost placement, unchanged base first): chr16-3583421-GA-G. GRCh37 (hg19) VCF-style: chr16-3633422-GA-G.
Other names: c.4828delT (NM_032444.4); short protein forms S1610fs.
Identifiers: ClinVar variation 4279521 (VCV004279521.4).
Genomic context (GRCh38, chr16:3,583,421, plus strand): 5'-GCGAGGGTCTGGCAGTGAGGCGCCTGCAACAGCGGCTGTGAGGACTGGCTCTCGTCCTCG[GA>G]GTCTGAGTCCAGGGTCTGGTGAGTGTACTGGAATATCTCCTTCAGCTTCAGAACCATCTG-3'